The following is an entry in ClinVar:

NM_000051.4(ATM):c.380C>T (p.Thr127Ile)

Gene: ATM (ATM serine/threonine kinase; plus strand). Cytogenetic location: 11q22.3.
Variant type: single nucleotide variant.
Coding change: c.380C>T on transcript NM_000051.4 (MANE Select); coding-DNA position 380, C replaced by T.
Protein change: p.Thr127Ile; replaces threonine 127 with isoleucine.
Molecular consequence: missense variant.
Genome position (GRCh38, 1-based): chr11:108,235,718, C>T. VCF-style: chr11-108235718-C-T. GRCh37 (hg19) VCF-style: chr11-108106445-C-T.
Other names: c.380C>T, p.Thr127Ile (NM_001351834.2); short protein forms T127I.
Identifiers: ClinVar variation 994243 (VCV000994243.8), dbSNP rs2079238567, ClinGen allele CA382524816.
Genomic context (GRCh38, chr11:108,235,718, plus strand): 5'-ATTTTGAAATAGGAGCACCTAGGCTAAAATGTCAAGAACTCTTAAATTATATCATGGATA[C>T]AGTGAAAGATTCATCTAATGGTGCTATTTACGGAGCTGATTGTAGCAACATACTACTCAA-3'
Protein context (NP_000042.3, residues 117-137): CQELLNYIMD[Thr127Ile]VKDSSNGAIY

ClinVar aggregate classification (germline): Uncertain significance (1 of 4 stars; one submission).

Submission:

ARUP Laboratories, Molecular Genetics and Genomics, ARUP Laboratories
Classification: Uncertain significance. Last evaluated: 2020-02-09. Review status: criteria provided, single submitter. Criteria: ARUP Molecular Germline Variant Investigation Process. Collection method: clinical testing. Allele origin: germline.
Comment: The ATM c.380C>T; p.Thr127Ile variant, to our knowledge, is not reported in the medical literature or gene specific databases. This variant is also absent from general population databases (Exome Variant Server, Genome Aggregation Database), indicating it is not a common polymorphism. The threonine at codon 127 is moderately conserved, but computational analyses (SIFT, PolyPhen-2) predict that this variant is tolerated. Due to limited information, the clinical significance of this variant is uncertain at this time.